The following is an entry in ClinVar:

ClinVar aggregate classification (germline): Conflicting classifications of pathogenicity. Review status: criteria provided, conflicting classifications (1 of 4 stars). 2 submissions from 2 submitters: Pathogenic (1); Uncertain significance (1). Last evaluated 2025-10-13.

Submissions (2):

Labcorp Genetics (formerly Invitae), Labcorp
Classification: Pathogenic. Last evaluated: 2025-10-13. Review status: criteria provided, single submitter. Criteria: Invitae Variant Classification Sherloc (09022015). Collection method: clinical testing. Allele origin: germline.
Comment: This sequence change creates a premature translational stop signal (p.Ser1027*) in the POLE gene. It is expected to result in an absent or disrupted protein product. Loss-of-function variants in POLE are known to be pathogenic (PMID: 23230001, 25948378, 30503519). This variant is present in population databases (rs752148857, gnomAD 0.003%). This variant has not been reported in the literature in individuals affected with POLE-related conditions. ClinVar contains an entry for this variant (Variation ID: 844908). For these reasons, this variant has been classified as Pathogenic.

Quest Diagnostics Nichols Institute San Juan Capistrano
Classification: Uncertain significance. Last evaluated: 2019-10-29. Review status: criteria provided, single submitter. Criteria: Quest Diagnostics criteria. Collection method: clinical testing. Allele origin: unknown.

Literature cited by the submitters: PubMed 23230001 (cited by Labcorp Genetics (formerly Invitae), Labcorp); PubMed 25948378 (cited by Labcorp Genetics (formerly Invitae), Labcorp); PubMed 30503519 (cited by Labcorp Genetics (formerly Invitae), Labcorp).

NM_006231.4(POLE):c.3080_3081del (p.Asp1026_Ser1027insTer)

Gene: POLE (DNA polymerase epsilon, catalytic subunit; minus strand). Cytogenetic location: 12q24.33.
Variant type: Microsatellite.
Coding change: c.3080_3081del on transcript NM_006231.4 (MANE Select); coding-DNA positions 3080 to 3081, 2 bases deleted (CT; older notation c.3080_3081delCT).
Protein change: p.Asp1026_Ser1027insTer.
Molecular consequence: nonsense.
Genome position (GRCh38, 1-based): chr12:132,659,489-132,659,490, AG deleted on the plus strand (CT on the coding strand, the reverse complement: POLE is on the minus strand); deleting any 2 consecutive bases within chr12:132,659,489-132,659,492 gives the same sequence; the c. name uses the placement nearest the transcript's 3' end. VCF-style (leftmost placement, unchanged base first): chr12-132659488-CAG-C. GRCh37 (hg19) VCF-style: chr12-133236074-CAG-C.
Identifiers: ClinVar variation 844908 (VCV000844908.8), dbSNP rs752148857, ClinGen allele CA6893359.
Genomic context (GRCh38, chr12:132,659,488, plus strand): 5'-CCCCGTAATCTTCCAGCTTCCGAGACATGGAACGGTTCTCAGAGATGAGCTCGAATAGCT[CAG>C]AGTCAGGCATGTTGGCTGCCTAGAGAAAGACAATGGGTAAAACACTGCAGAAATCAAGGG-3'